The following is an entry in ClinVar:

NM_001366285.2(TBXT):c.668G>A (p.Arg223Lys)

Gene: TBXT (T-box transcription factor T; minus strand). Cytogenetic location: 6q27.
Variant type: single nucleotide variant.
Coding change: c.668G>A on transcript NM_001366285.2 (MANE Select); coding-DNA position 668, G replaced by A.
Protein change: p.Arg223Lys; replaces arginine 223 with lysine.
Molecular consequence: missense variant.
Genome position (GRCh38, 1-based): chr6:166,164,800, C>T on the plus strand (G>A on the coding strand, the complement: TBXT is on the minus strand). VCF-style: chr6-166164800-C-T. GRCh37 (hg19) VCF-style: chr6-166578288-C-T.
Other names: c.668G>A, p.Arg223Lys (NM_001270484.2, NM_001366286.2, NM_003181.4); short protein forms R223K.
Identifiers: ClinVar variation 3045629 (VCV003045629.2), dbSNP rs2482963495, ClinGen allele CA366391900.

ClinVar aggregate classification (germline): Uncertain significance (0 of 4 stars; one submission).

Conditions:
TBXT-related disorder. Also called: TBXT-related condition.

Submission:

PreventionGenetics, part of Exact Sciences
Classification: Uncertain significance for TBXT-related condition. Last evaluated: 2024-02-16. Review status: no assertion criteria provided. Collection method: clinical testing. Allele origin: germline.
Comment: The TBXT c.668G>A variant is predicted to result in the amino acid substitution p.Arg223Lys. To our knowledge, this variant has not been reported in the literature or in a large population database, indicating this variant is rare. At this time, the clinical significance of this variant is uncertain due to the absence of conclusive functional and genetic evidence.